The following is an entry in ClinVar:

NM_005751.5(AKAP9):c.3773C>G (p.Thr1258Ser)

Gene: AKAP9 (A-kinase anchoring protein 9; plus strand). Cytogenetic location: 7q21.2.
Variant type: single nucleotide variant.
Coding change: c.3773C>G on transcript NM_005751.5 (MANE Select); coding-DNA position 3773, C replaced by G.
Protein change: p.Thr1258Ser; replaces threonine 1258 with serine.
Molecular consequence: missense variant.
Genome position (GRCh38, 1-based): chr7:92,017,038, C>G. VCF-style: chr7-92017038-C-G. GRCh37 (hg19) VCF-style: chr7-91646352-C-G.
Other names: c.3773C>G, p.Thr1258Ser (NM_147185.3); short protein forms T1258S.
Identifiers: ClinVar variation 3674624 (VCV003674624.2).

ClinVar aggregate classification (germline): Uncertain significance (1 of 4 stars; one submission).

Conditions:
Long QT syndrome (LQTS). Identifiers: MedGen C0023976, MeSH D008133, MONDO:0002442. Disease mechanism: loss of function. Inheritance: Various modes of inheritance.

Submission:

Labcorp Genetics (formerly Invitae), Labcorp
Classification: Uncertain significance for Long QT syndrome. Last evaluated: 2024-06-10. Review status: criteria provided, single submitter. Criteria: Invitae Variant Classification Sherloc (09022015). Collection method: clinical testing. Allele origin: germline.
Comment: This sequence change replaces threonine, which is neutral and polar, with serine, which is neutral and polar, at codon 1258 of the AKAP9 protein (p.Thr1258Ser). This variant is not present in population databases (gnomAD no frequency). This variant has not been reported in the literature in individuals affected with AKAP9-related conditions. Algorithms developed to predict the effect of missense changes on protein structure and function output the following: SIFT: "Not Available"; PolyPhen-2: "Benign"; Align-GVGD: "Not Available". The serine amino acid residue is found in multiple mammalian species, which suggests that this missense change does not adversely affect protein function. In summary, the available evidence is currently insufficient to determine the role of this variant in disease. Therefore, it has been classified as a Variant of Uncertain Significance.